The following is an entry in ClinVar:

GRCh37/hg19 2p21(chr2:44527089-44541110)

Gene: SLC3A1 (solute carrier family 3 member 1; plus strand). Cytogenetic location: 2p21.
Variant type: copy number gain.
Identifiers: ClinVar variation 1179117 (VCV001179117.2).

ClinVar aggregate classification (germline): Pathogenic (0 of 4 stars; one submission).

Conditions:
Cystinuria (CSNU). Also called: CYSTINURIA, TYPE I; CYSTINURIA, TYPE II; CYSTINURIA, TYPE III; Cystinuria, non-type I. Identifiers: Orphanet 214, MedGen C0010691, MONDO:0009067, OMIM 220100, HP:0003131.

Submission:

Fulgent Genetics
Classification: Pathogenic for Cystinuria. Review status: no assertion criteria provided. Collection method: clinical testing. Allele origin: unknown.
Comment: This variant has been detected in individual(s) who were sent for testing of Renasight - kidney gene panel.